The following is an entry in ClinVar:

NM_000051.4(ATM):c.7059_7070del (p.Ala2354_Met2357del)

Genes: ATM (ATM serine/threonine kinase; plus strand), C11orf65 (chromosome 11 open reading frame 65; minus strand). Cytogenetic location: 11q22.3.
Variant type: Deletion.
Coding change: c.7059_7070del on transcript NM_000051.4 (MANE Select); coding-DNA positions 7059 to 7070, 12 bases deleted (TGCGGTCATCAT).
Protein change: p.Ala2354_Met2357del.
Molecular consequence: inframe deletion. On other transcripts: intron variant (2), inframe indel (1).
Genome position (GRCh38, 1-based): chr11:108,327,728-108,327,739, TGCGGTCATCAT deleted. VCF-style (leftmost placement, unchanged base first): chr11-108327727-CTGCGGTCATCAT-C. GRCh37 (hg19) VCF-style: chr11-108198454-CTGCGGTCATCAT-C.
Other names: c.7059_7070del, p.Ala2354_Met2357del (NM_001351834.2); c.641-18668_641-18657del (NM_001330368.2); c.*38+7481_*38+7492del (NM_001351110.2); c.7059_7070del12 (NM_000051.3).
Identifiers: ClinVar variation 1756907 (VCV001756907.2), dbSNP rs2547233439, ClinGen allele CA2580083180.

ClinVar aggregate classification (germline): Uncertain significance (1 of 4 stars; one submission).

Conditions:
Hereditary cancer-predisposing syndrome. Also called: Hereditary neoplastic syndrome; Neoplastic Syndromes, Hereditary; Tumor predisposition; Hereditary Cancer Syndrome. Identifiers: Orphanet 140162, MedGen C0027672, MeSH D009386, MONDO:0015356.

Submission:

Ambry Genetics
Classification: Uncertain significance for Hereditary cancer-predisposing syndrome. Last evaluated: 2021-07-13. Review status: criteria provided, single submitter. Criteria: Ambry Variant Classification Scheme 2023. Collection method: clinical testing. Allele origin: germline.
Comment: The c.7059_7070del12 variant (also known as p.A2354_M2357del) is located in coding exon 47 of the ATM gene. This variant results from an in-frame TGCGGTCATCAT deletion at nucleotide positions 7059 to 7070. This results in the in-frame deletion of the alanine, valine, isoleucine and methionine residues at codons 2354 to 2357. This amino acid region is not well conserved in available vertebrate species. This variant is considered to be rare based on population cohorts in the Genome Aggregation Database (gnomAD). In addition, this alteration is predicted to be deleterious by in silico analysis (Choi Y et al. PLoS ONE. 2012; 7(10):e46688). Since supporting evidence is limited at this time, the clinical significance of this alteration remains unclear.